The following is an entry in ClinVar:

NM_001999.4(FBN2):c.6167-4G>A

Gene: FBN2 (fibrillin 2; minus strand). Cytogenetic location: 5q23.3.
Variant type: single nucleotide variant.
Coding change: c.6167-4G>A on transcript NM_001999.4 (MANE Select); 4 bases into the intron before coding-DNA position 6167, G replaced by A.
Molecular consequence: intron variant.
Genome position (GRCh38, 1-based): chr5:128,291,658, C>T on the plus strand (G>A on the coding strand, the complement: FBN2 is on the minus strand). VCF-style: chr5-128291658-C-T. GRCh37 (hg19) VCF-style: chr5-127627350-C-T.
Identifiers: ClinVar variation 350768 (VCV000350768.27), dbSNP rs370981323, ClinGen allele CA3394478.

ClinVar aggregate classification (germline): Conflicting classifications of pathogenicity. Review status: criteria provided, conflicting classifications (1 of 4 stars). 8 submissions from 8 submitters: Uncertain significance (2); Benign (2); Likely benign (4). Last evaluated 2026-09-18.

Conditions:
Ehlers-Danlos syndrome (EDS). Identifiers: Orphanet 98249, MedGen C0013720, MONDO:0020066.
Congenital contractural arachnodactyly (CCA). Also called: Beals-Hecht syndrome; BEALS SYNDROME; Arthrogryposis, distal, type 9. Identifiers: Orphanet 115, MedGen C0220668, MONDO:0007363, OMIM 121050.
FBN2-related disorder. Also called: FBN2-related condition.
Familial thoracic aortic aneurysm and aortic dissection (TAAD). Also called: Thoracic aortic aneurysms and dissections. Identifiers: Orphanet 91387, MedGen C4707243, MONDO:0019625.

Allele frequency attached by ClinVar (database versions not stated): ESP Exome Variant Server 0.00015.
gnomAD v4.1: 274 of 1,612,992 alleles (0.017%); highest among the groups gnomAD compares: Non-Finnish European, 0.022%; no homozygotes.

Submissions (8):

PreventionGenetics, part of Exact Sciences
Classification: Likely benign for FBN2-related condition. Last evaluated: 2026-09-18. Review status: criteria provided, single submitter. Criteria: ACMG Guidelines, 2015. Collection method: clinical testing. Allele origin: germline.
Comment: This variant is classified as likely benign based on ACMG/AMP sequence variant interpretation guidelines (Richards et al. 2015 PMID: 25741868, with internal and published modifications).

Labcorp Genetics (formerly Invitae), Labcorp
Classification: Likely benign for Congenital contractural arachnodactyly. Last evaluated: 2025-12-14. Review status: criteria provided, single submitter. Criteria: Invitae Variant Classification Sherloc (09022015). Collection method: clinical testing. Allele origin: germline.

Women's Health and Genetics/Laboratory Corporation of America, LabCorp
Classification: Benign. Last evaluated: 2024-03-30. Review status: criteria provided, single submitter. Criteria: LabCorp Variant Classification Summary - May 2015. Collection method: clinical testing. Allele origin: germline.

Blueprint Genetics
Classification: Likely benign. Last evaluated: 2023-09-20. Review status: criteria provided, single submitter. Criteria: ACMG Guidelines, 2015. Collection method: clinical testing. Allele origin: germline.

GeneDx
Classification: Likely benign. Last evaluated: 2021-05-27. Review status: criteria provided, single submitter. Criteria: GeneDx Variant Classification Process June 2021. Collection method: clinical testing. Allele origin: germline. Affected: yes.
Comment: In silico analysis, which includes splice predictors and evolutionary conservation, supports that this variant does not alter protein structure/function; Nucleotide substitution has no predicted effect on splicing and is not conserved across species

Genome Diagnostics Laboratory, The Hospital for Sick Children
Classification: Uncertain significance for Ehlers-Danlos syndrome. Last evaluated: 2020-12-09. Review status: criteria provided, single submitter. Criteria: ACMG Guidelines, 2015. Collection method: clinical testing. Allele origin: germline.

Ambry Genetics
Classification: Benign for Familial thoracic aortic aneurysm and aortic dissection. Last evaluated: 2018-06-27. Review status: criteria provided, single submitter. Criteria: Ambry Variant Classification Scheme 2023. Collection method: clinical testing. Allele origin: germline.

Illumina Laboratory Services, Illumina
Classification: Uncertain significance for Congenital contractural arachnodactyly. Last evaluated: 2018-01-12. Review status: criteria provided, single submitter. Criteria: ICSL Variant Classification Criteria 13 December 2019. Collection method: clinical testing. Allele origin: germline.